The following is an entry in ClinVar:

NM_000465.4(BARD1):c.1881A>T (p.Gly627=)

Gene: BARD1 (BRCA1 associated RING domain 1; minus strand). Cytogenetic location: 2q35.
Variant type: single nucleotide variant.
Coding change: c.1881A>T on transcript NM_000465.4 (MANE Select); coding-DNA position 1881, A replaced by T.
Protein change: p.Gly627=; no amino-acid change (glycine 627 retained).
Molecular consequence: synonymous variant. On other transcripts: non-coding transcript variant (3), intron variant (1).
Genome position (GRCh38, 1-based): chr2:214,745,089, T>A on the plus strand (A>T on the coding strand, the complement: BARD1 is on the minus strand). VCF-style: chr2-214745089-T-A. GRCh37 (hg19) VCF-style: chr2-215609813-T-A.
Other names: c.1824A>T, p.Gly608= (NM_001282543.2); c.528A>T, p.Gly176= (NM_001282545.2); c.471A>T, p.Gly157= (NM_001282548.2); c.365-14581A>T (NM_001282549.2).
Identifiers: ClinVar variation 3378819 (VCV003378819.1).

ClinVar aggregate classification (germline): Benign (1 of 4 stars; one submission).

Conditions:
Familial cancer of breast. Also called: hereditary breast carcinoma; Hereditary breast cancer; BREAST CANCER, FAMILIAL. Identifiers: Orphanet 227535, MedGen C0346153, MONDO:0016419, OMIM 114480. Disease mechanism: loss of function.

Submission:

Myriad Genetics, Inc.
Classification: Benign for Familial cancer of breast. Last evaluated: 2024-07-29. Review status: criteria provided, single submitter. Criteria: Myriad Autosomal Dominant, Autosomal Recessive and X-Linked Classification Criteria (2023). Collection method: clinical testing. Allele origin: unknown.
Comment: This variant is considered benign. This variant is a silent/synonymous amino acid change and it is not expected to impact splicing.